The following is an entry in ClinVar:

NM_001170629.2(CHD8):c.374G>A (p.Ser125Asn)

Gene: CHD8 (chromodomain helicase DNA binding protein 8; minus strand). Cytogenetic location: 14q11.2.
Variant type: single nucleotide variant.
Coding change: c.374G>A on transcript NM_001170629.2 (MANE Select); coding-DNA position 374, G replaced by A.
Protein change: p.Ser125Asn; replaces serine 125 with asparagine.
Molecular consequence: missense variant. On other transcripts: intron variant (1).
Genome position (GRCh38, 1-based): chr14:21,431,270, C>T on the plus strand (G>A on the coding strand, the complement: CHD8 is on the minus strand). VCF-style: chr14-21431270-C-T. GRCh37 (hg19) VCF-style: chr14-21899429-C-T.
Other names: c.6+541G>A (NM_020920.4); short protein forms S125N.
Identifiers: ClinVar variation 4883026 (VCV004883026.2).

ClinVar aggregate classification (germline): Uncertain significance (1 of 4 stars; one submission).

Conditions:
Intellectual developmental disorder with autism and macrocephaly. Also called: Autism, susceptibility to, 18; CHD8-Related Neurodevelopmental Disorder with Overgrowth. Identifiers: Orphanet 642675, MedGen C3554373, MONDO:0014017, OMIM 615032.

Submission:

Dasa
Classification: Uncertain significance for Intellectual developmental disorder with autism and macrocephaly. Last evaluated: 2025-09-11. Review status: criteria provided, single submitter. Criteria: DASA Assertion Criteria. Collection method: clinical testing. Allele origin: germline.
Comment: NM_001170629.2(CHD8):c.374G>A (p.Ser125Asn) is a missense variant that results in the substitution of serine with asparagine. This variant is absent from population databases. Computational prediction algorithms are consistent with a benign effect. The currently available literature and clinical evidence are not sufficient to establish a definitive association between this variant and the reported condition. Therefore, this variant is classified as a variant of uncertain significance.